The following is an entry in ClinVar:

NM_000090.4(COL3A1):c.2981C>A (p.Pro994His)

Gene: COL3A1 (collagen type III alpha 1 chain; plus strand). Cytogenetic location: 2q32.2.
Variant type: single nucleotide variant.
Coding change: c.2981C>A on transcript NM_000090.4 (MANE Select); coding-DNA position 2981, C replaced by A.
Protein change: p.Pro994His; replaces proline 994 with histidine.
Molecular consequence: missense variant.
Genome position (GRCh38, 1-based): chr2:189,005,399, C>A. VCF-style: chr2-189005399-C-A. GRCh37 (hg19) VCF-style: chr2-189870125-C-A.
Other names: short protein forms P994H.
Identifiers: ClinVar variation 1500479 (VCV001500479.8), dbSNP rs1688563132, ClinGen allele CA349844772.

ClinVar aggregate classification (germline): Uncertain significance (1 of 4 stars; one submission).

Conditions:
Ehlers-Danlos syndrome, type 4 (EDSVASC). Also called: Ehlers-Danlos syndrome vascular type; Ehlers Danlos syndrome, ecchymotic type; Ehlers Danlos syndrome, arterial type; Ehlers Danlos syndrome, Sack-Barabas type; Ehlers-Danlos Syndrome Type IV. Identifiers: Orphanet 286, MedGen C0268338, MONDO:0017314, OMIM 130050.

Submission:

Labcorp Genetics (formerly Invitae), Labcorp
Classification: Uncertain significance for Ehlers-Danlos syndrome, type 4. Last evaluated: 2021-04-23. Review status: criteria provided, single submitter. Criteria: Invitae Variant Classification Sherloc (09022015). Collection method: clinical testing. Allele origin: germline.
Comment: In summary, the available evidence is currently insufficient to determine the role of this variant in disease. Therefore, it has been classified as a Variant of Uncertain Significance. Advanced modeling of protein sequence and biophysical properties (such as structural, functional, and spatial information, amino acid conservation, physicochemical variation, residue mobility, and thermodynamic stability) performed at Invitae indicates that this missense variant is not expected to disrupt COL3A1 protein function. This variant has not been reported in the literature in individuals with COL3A1-related conditions. This variant is not present in population databases (ExAC no frequency). This sequence change replaces proline with histidine at codon 994 of the COL3A1 protein (p.Pro994His). The proline residue is moderately conserved and there is a moderate physicochemical difference between proline and histidine.